The following is an entry in ClinVar:

ClinVar aggregate classification (germline): Uncertain significance (1 of 4 stars; one submission).

Conditions:
Renal cell carcinoma (RCCP1). Identifiers: Orphanet 217071, MedGen C0007134, MeSH D002292, MONDO:0005086, HP:0005584.

Submission:

Labcorp Genetics (formerly Invitae), Labcorp
Classification: Uncertain significance for Renal cell carcinoma. Last evaluated: 2022-04-05. Review status: criteria provided, single submitter. Criteria: Invitae Variant Classification Sherloc (09022015). Collection method: clinical testing. Allele origin: germline.
Comment: Experimental studies and prediction algorithms are not available or were not evaluated, and the functional significance of this variant is currently unknown. In summary, the available evidence is currently insufficient to determine the role of this variant in disease. Therefore, it has been classified as a Variant of Uncertain Significance. This variant has not been reported in the literature in individuals affected with MET-related conditions. This variant results in the deletion of exons 5-10 and part of exon 11 (c.1528-3_2500del) of the MET gene. It is expected to disrupt RNA splicing. Variants that disrupt the donor or acceptor splice site typically lead to a loss of protein function (PMID: 16199547), however the current clinical and genetic evidence is not sufficient to establish whether loss-of-function variants in MET cause disease.

Literature cited by the submitters: PubMed 16199547.

NC_000007.13:g.(?_116380902)_(116403184_?)del

Gene: MET (MET proto-oncogene, receptor tyrosine kinase; plus strand). Cytogenetic location: 7q31.2.
Variant type: Deletion.
Identifiers: ClinVar variation 2423765 (VCV002423765.4).